The following is an entry in ClinVar:

NM_001166114.2(PNPLA6):c.1169-12T>G

Gene: PNPLA6 (patatin like domain 6, lysophospholipase; plus strand). Cytogenetic location: 19p13.2.
Variant type: single nucleotide variant.
Coding change: c.1169-12T>G on transcript NM_001166114.2 (MANE Select); 12 bases into the intron before coding-DNA position 1169, T replaced by G.
Molecular consequence: intron variant.
Genome position (GRCh38, 1-based): chr19:7,541,972, T>G. VCF-style: chr19-7541972-T-G. GRCh37 (hg19) VCF-style: chr19-7606858-T-G.
Other names: c.1052-12T>G (NM_006702.5, NM_001166112.2, NM_001166113.1); c.1196-12T>G (NM_001166111.2).
Identifiers: ClinVar variation 2021965 (VCV002021965.4), dbSNP rs1206370253, ClinGen allele CA2580097111.
Genomic context (GRCh38, chr19:7,541,972, plus strand): 5'-TCCTTATCTCCCAACCTGCTAATCCTCCTAGTGGCTCTGAGGGGCAGGAGCCTGAACATG[T>G]GTCTCCCCCAGGGGACCCTGTGAAGCCCACATCCCTGGAAACCCCCTCGGCCCCTCTGCT-3'

ClinVar aggregate classification (germline): Uncertain significance (1 of 4 stars; one submission).

Conditions:
Hereditary spastic paraplegia 39 (SPG39). Also called: Spastic Paraplegia Type 39 (SPG39); SPASTIC PARAPLEGIA 39, AUTOSOMAL RECESSIVE. Identifiers: Orphanet 139480, MedGen C2677586, MONDO:0012787, OMIM 612020.

Submission:

Labcorp Genetics (formerly Invitae), Labcorp
Classification: Uncertain significance for Hereditary spastic paraplegia 39. Last evaluated: 2022-08-21. Review status: criteria provided, single submitter. Criteria: Invitae Variant Classification Sherloc (09022015). Collection method: clinical testing. Allele origin: germline.
Comment: This sequence change falls in intron 12 of the PNPLA6 gene. It does not directly change the encoded amino acid sequence of the PNPLA6 protein. This variant is not present in population databases (gnomAD no frequency). This variant has not been reported in the literature in individuals affected with PNPLA6-related conditions. Algorithms developed to predict the effect of sequence changes on RNA splicing suggest that this variant may disrupt the consensus splice site. In summary, the available evidence is currently insufficient to determine the role of this variant in disease. Therefore, it has been classified as a Variant of Uncertain Significance.